The following is an entry in ClinVar:

ClinVar aggregate classification (germline): Uncertain significance (1 of 4 stars; one submission).

Conditions:
Cardiovascular phenotype. Identifiers: MedGen CN230736.

gnomAD v4.1: 2 of 1,613,756 alleles (0.00012%); highest among the groups gnomAD compares: Non-Finnish European, 0.00017%; no homozygotes.

Submission:

Ambry Genetics
Classification: Uncertain significance for Cardiovascular phenotype. Last evaluated: 2024-04-21. Review status: criteria provided, single submitter. Criteria: Ambry Variant Classification Scheme 2023. Collection method: clinical testing. Allele origin: germline.
Comment: The p.A894V variant (also known as c.2681C>T), located in coding exon 16 of the EPHB4 gene, results from a C to T substitution at nucleotide position 2681. The alanine at codon 894 is replaced by valine, an amino acid with similar properties. This amino acid position is conserved. In addition, this alteration is predicted to be tolerated by in silico analysis. Based on the available evidence, the clinical significance of this variant remains unclear.

NM_004444.5(EPHB4):c.2681C>T (p.Ala894Val)

Gene: EPHB4 (EPH receptor B4; minus strand). Cytogenetic location: 7q22.1.
Variant type: single nucleotide variant.
Coding change: c.2681C>T on transcript NM_004444.5 (MANE Select); coding-DNA position 2681, C replaced by T.
Protein change: p.Ala894Val; replaces alanine 894 with valine.
Molecular consequence: missense variant.
Genome position (GRCh38, 1-based): chr7:100,805,319, G>A on the plus strand (C>T on the coding strand, the complement: EPHB4 is on the minus strand). VCF-style: chr7-100805319-G-A. GRCh37 (hg19) VCF-style: chr7-100402941-G-A.
Other names: short protein forms A894V.
Identifiers: ClinVar variation 3275978 (VCV003275978.1).
Genomic context (GRCh38, chr7:100,805,319, plus strand): 5'-TCGCCCACAGAGCCAAAAGCTGAGTAGTGAGGCTGCCGCTGGTCCAGGAGAGGGTGTGAG[G>A]CCCTAGGGGGCAAGGATGGGGAGGAATGCTGAGTACCAGGCCCAGGTCCGGGGGAGGAGG-3'
Protein context (NP_004435.3, residues 884-904): LKIVARENGG[Ala894Val]SHPLLDQRQP